The following is an entry in ClinVar:

NM_025114.4(CEP290):c.7133C>G (p.Ala2378Gly)

Gene: CEP290 (centrosomal protein 290; minus strand). Cytogenetic location: 12q21.32.
Variant type: single nucleotide variant.
Coding change: c.7133C>G on transcript NM_025114.4 (MANE Select); coding-DNA position 7133, C replaced by G.
Protein change: p.Ala2378Gly; replaces alanine 2378 with glycine.
Molecular consequence: missense variant.
Genome position (GRCh38, 1-based): chr12:88,050,430, G>C on the plus strand (C>G on the coding strand, the complement: CEP290 is on the minus strand). VCF-style: chr12-88050430-G-C. GRCh37 (hg19) VCF-style: chr12-88444207-G-C.
Other names: short protein forms A2378G.
Identifiers: ClinVar variation 618558 (VCV000618558.9), dbSNP rs1565777729, ClinGen allele CA385973894.
Genomic context (GRCh38, chr12:88,050,430, plus strand): 5'-TCTAGATCTGACATTTTGAGCTGTGTCTCTAGATCTTTTATTTTTTCCTTTAGTTGATCA[G>C]CATCTGTTGAAAAAGTCATACAAATTAGACTCAGCTTTTTCCCACTACGAATGAGTTCAA-3'
Protein context (NP_079390.3, residues 2368-2388): QSGAESTIPD[Ala2378Gly]DQLKEKIKDL

ClinVar aggregate classification (germline): Uncertain significance. Review status: criteria provided, single submitter (1 of 4 stars). 2 submissions from 2 submitters: Uncertain significance (1). 1 of the submissions does not count toward it. Last evaluated 2018-06-04.

Conditions:
Leber congenital amaurosis (LCA). Also called: Leber's amaurosis. Identifiers: Orphanet 65, MedGen C0339527, MeSH D057130, MONDO:0018998.

Submissions (2):

ARUP Laboratories, Molecular Genetics and Genomics, ARUP Laboratories
Classification: Uncertain significance. Last evaluated: 2018-06-04. Review status: criteria provided, single submitter. Criteria: ARUP Molecular Germline Variant Investigation Process. Collection method: clinical testing. Allele origin: germline.
Comment: The CEP290 c.7133C>G; p.Ala2378Gly variant, to our knowledge, is not reported in the medical literature or in gene-specific databases. This variant is also absent from general population databases (1000 Genomes Project, Exome Variant Server, and Genome Aggregation Database), indicating it is not a common polymorphism. The alanine at codon 2378 is weakly conserved and computational analyses (SIFT, PolyPhen-2) predict that this variant is tolerated. Considering available information, the clinical significance of this variant cannot be determined with certainty. Pathogenic CEP290 variants are causative for autosomal recessive Leber Congenital Amaurosis (MIM: 611755), Joubert syndrome (MIM: 610188), Meckel syndrome (MIM: 611134), or Senior-Loken syndrome (MIM:610189).

Natera, Inc.
Classification: Uncertain significance for Leber congenital amaurosis. Last evaluated: 2020-09-16. Review status: no assertion criteria provided. Collection method: clinical testing. Allele origin: germline. Not counted in ClinVar's aggregate classification.